The following is an entry in ClinVar:

ClinVar aggregate classification (germline): Uncertain significance. Review status: criteria provided, multiple submitters, no conflicts (2 of 4 stars). 5 submissions from 5 submitters: Uncertain significance (5). Last evaluated 2026-01-07.

Conditions:
Retinoblastoma (RB1). Also called: RETINOBLASTOMA, SOMATIC. Identifiers: Orphanet 790, MedGen C0035335, MeSH D012175, MONDO:0008380, OMIM 180200, HP:0009919. Disease mechanism: loss of function. Inheritance: Both sporadic and heritable forms are tested..
Malignant tumor of urinary bladder. Also called: Urinary bladder cancer; Bladder cancer; Urinary Bladder Neoplasms. Identifiers: MedGen C0005684, MONDO:0001187, OMIM 109800.
Hereditary cancer-predisposing syndrome. Also called: Tumor predisposition; Hereditary neoplastic syndrome; Hereditary Cancer Syndrome; Neoplastic Syndromes, Hereditary. Identifiers: Orphanet 140162, MedGen C0027672, MeSH D009386, MONDO:0015356.

Allele frequency attached by ClinVar (database versions not stated): gnomAD exomes below 0.00001 and 0.00001; ExAC 0.00001; gnomAD 0.00001 and 0.00002; TOPMed 0.00001.
gnomAD v4.1: 13 of 1,611,846 alleles (0.00081%); highest among the groups gnomAD compares: Admixed American, 0.0017%; no homozygotes.

Submissions (5):

Labcorp Genetics (formerly Invitae), Labcorp
Classification: Uncertain significance for Retinoblastoma. Last evaluated: 2026-01-07. Review status: criteria provided, single submitter. Criteria: Invitae Variant Classification Sherloc (09022015). Collection method: clinical testing. Allele origin: germline.
Comment: This sequence change replaces arginine, which is basic and polar, with glutamine, which is neutral and polar, at codon 455 of the RB1 protein (p.Arg455Gln). The frequency data for this variant in the population databases is considered unreliable, as metrics indicate poor data quality at this position in the gnomAD database. This variant has not been reported in the literature in individuals affected with RB1-related conditions. ClinVar contains an entry for this variant (Variation ID: 577156). Invitae Evidence Modeling of protein sequence and biophysical properties (such as structural, functional, and spatial information, amino acid conservation, physicochemical variation, residue mobility, and thermodynamic stability) has been performed for this missense variant. However, the output from this modeling did not meet the statistical confidence thresholds required to predict the impact of this variant on RB1 protein function. In summary, the available evidence is currently insufficient to determine the role of this variant in disease. Therefore, it has been classified as a Variant of Uncertain Significance.

Ambry Genetics
Classification: Uncertain significance for Hereditary cancer-predisposing syndrome. Last evaluated: 2024-08-28. Review status: criteria provided, single submitter. Criteria: Ambry Variant Classification Scheme 2023. Collection method: clinical testing. Allele origin: germline.
Comment: The p.R455Q variant (also known as c.1364G>A), located in coding exon 14 of the RB1 gene, results from a G to A substitution at nucleotide position 1364. The arginine at codon 455 is replaced by glutamine, an amino acid with highly similar properties. This amino acid position is well conserved in available vertebrate species. In addition, the in silico prediction for this alteration is inconclusive. Since supporting evidence is limited at this time, the clinical significance of this alteration remains unclear.

All of Us Research Program, National Institutes of Health
Classification: Uncertain significance for Retinoblastoma. Last evaluated: 2023-11-30. Review status: criteria provided, single submitter. Criteria: ACMG Guidelines, 2015. Collection method: clinical testing. Allele origin: germline. Inheritance: Autosomal dominant inheritance. Observed: 2 variant alleles, 2 heterozygotes.
Comment: This missense variant replaces arginine with glutamine at codon 455 of the RB1 protein. Computational prediction is inconclusive regarding the impact of this variant on protein structure and function (internally defined REVEL score threshold 0.5 < inconclusive < 0.7, PMID: 27666373). To our knowledge, functional studies have not been reported for this variant. This variant has not been reported in individuals affected with RB1-related disorders in the literature. This variant has been identified in 1/249800 chromosomes in the general population by the Genome Aggregation Database (gnomAD). The available evidence is insufficient to determine the role of this variant in disease conclusively. Therefore, this variant is classified as a Variant of Uncertain Significance.

This study involves interpretation of variants in research participants for the purpose of population health screening. Participant phenotype was not available at the time of variant classification. Additional details can be found in publication PMID: 35346344, PMCID: PMC8962531

Color Diagnostics, LLC DBA Color Health
Classification: Uncertain significance for Retinoblastoma. Last evaluated: 2023-10-04. Review status: criteria provided, single submitter. Criteria: ACMG Guidelines, 2015. Collection method: clinical testing. Allele origin: germline.
Comment: This missense variant replaces arginine with glutamine at codon 455 of the RB1 protein. Computational prediction is inconclusive regarding the impact of this variant on protein structure and function. To our knowledge, functional studies have not been reported for this variant. This variant has not been reported in individuals affected with RB1-related disorders in the literature. This variant has been identified in 1/249800 chromosomes in the general population by the Genome Aggregation Database (gnomAD). The available evidence is insufficient to determine the role of this variant in disease conclusively. Therefore, this variant is classified as a Variant of Uncertain Significance.

Baylor Genetics
Classification: Uncertain significance for Malignant tumor of urinary bladder. Last evaluated: 2023-07-25. Review status: criteria provided, single submitter. Criteria: ACMG Guidelines, 2015. Collection method: clinical testing. Allele origin: unknown.

NM_000321.3(RB1):c.1364G>A (p.Arg455Gln)

Gene: RB1 (RB transcriptional corepressor 1; plus strand). Cytogenetic location: 13q14.2.
Variant type: single nucleotide variant.
Coding change: c.1364G>A on transcript NM_000321.3 (MANE Select); coding-DNA position 1364, G replaced by A.
Protein change: p.Arg455Gln; replaces arginine 455 with glutamine.
Molecular consequence: missense variant.
Genome position (GRCh38, 1-based): chr13:48,379,625, G>A. VCF-style: chr13-48379625-G-A. GRCh37 (hg19) VCF-style: chr13-48953761-G-A.
Other names: short protein forms R455Q.
Identifiers: ClinVar variation 577156 (VCV000577156.15), dbSNP rs769425649, ClinGen allele CA028293.